The following is an entry in ClinVar:

NM_002661.5(PLCG2):c.3466A>G (p.Lys1156Glu)

Gene: PLCG2 (phospholipase C gamma 2; plus strand). Cytogenetic location: 16q23.3.
Variant type: single nucleotide variant.
Coding change: c.3466A>G on transcript NM_002661.5 (MANE Select); coding-DNA position 3466, A replaced by G.
Protein change: p.Lys1156Glu; replaces lysine 1156 with glutamic acid.
Molecular consequence: missense variant.
Genome position (GRCh38, 1-based): chr16:81,940,044, A>G. VCF-style: chr16-81940044-A-G. GRCh37 (hg19) VCF-style: chr16-81973649-A-G.
Other names: c.3466A>G, p.Lys1156Glu (NM_001425749.1, NM_001425750.1, NM_001425751.1); short protein forms K1156E.
Identifiers: ClinVar variation 5005640 (VCV005005640.2).

ClinVar aggregate classification (germline): Uncertain significance (1 of 4 stars; one submission).

Conditions:
Familial cold autoinflammatory syndrome 3 (FCAS3). Also called: ANTIBODY DEFICIENCY AND IMMUNE DYSREGULATION, PLCG2-ASSOCIATED; FAMILIAL ATYPICAL COLD URTICARIA. Identifiers: Orphanet 300359, MedGen C3280914, MONDO:0013766, OMIM 614468.
Autoinflammation-PLCG2-associated antibody deficiency-immune dysregulation. Also called: Autoinflammation, antibody deficiency, and immune dysregulation syndrome; AUTOINFLAMMATION, ANTIBODY DEFICIENCY, AND IMMUNE DYSREGULATION; Autoinflammation, antibody deficiency, and immune dysregulation, plcg2-associated. Identifiers: Orphanet 324530, MedGen C3553961, MONDO:0013944, OMIM 614878.

gnomAD v4.1: 1 of 1,611,454 alleles (0.000062%); highest among the groups gnomAD compares: East Asian, 0.0022%; no homozygotes.

Submission:

Juno Genomics, Hangzhou Juno Genomics, Inc
Classification: Uncertain significance for Autoinflammation-PLCG2-associated antibody deficiency-immune dysregulation; Familial cold autoinflammatory syndrome 3. Review status: criteria provided, single submitter. Criteria: ACMG Guidelines, 2015. Collection method: clinical testing. Allele origin: germline.
Comment: Absent from controls (or at extremely low frequency if recessive) in Genome Aggregation Database.;Multiple lines of computational evidence suggest no impact on gene or gene product.